The following is an entry in ClinVar:

ClinVar aggregate classification (germline): Uncertain significance (1 of 4 stars; one submission).

gnomAD v4.1: 1 of 1,614,186 alleles (0.000062%); highest among the groups gnomAD compares: Non-Finnish European, 0.000085%; no homozygotes.

Submission:

GeneDx
Classification: Uncertain significance. Last evaluated: 2026-03-24. Review status: criteria provided, single submitter. Criteria: GeneDx Variant Classification Process June 2021. Collection method: clinical testing. Allele origin: germline.
Comment: Not observed at significant frequency in large population cohorts (gnomAD); In silico analysis supports that this missense variant has a deleterious effect on protein structure/function; Has not been previously published as pathogenic or benign to our knowledge

NM_002828.4(PTPN2):c.659T>C (p.Ile220Thr)

Gene: PTPN2 (protein tyrosine phosphatase non-receptor type 2; minus strand). Cytogenetic location: 18p11.21.
Variant type: single nucleotide variant.
Coding change: c.659T>C on transcript NM_002828.4 (MANE Select); coding-DNA position 659, T replaced by C.
Protein change: p.Ile220Thr; replaces isoleucine 220 with threonine.
Molecular consequence: missense variant.
Genome position (GRCh38, 1-based): chr18:12,817,202, A>G on the plus strand (T>C on the coding strand, the complement: PTPN2 is on the minus strand). VCF-style: chr18-12817202-A-G. GRCh37 (hg19) VCF-style: chr18-12817201-A-G.
Other names: c.728T>C, p.Ile243Thr (NM_001207013.2); c.572T>C, p.Ile191Thr (NM_001308287.1); c.659T>C, p.Ile220Thr (NM_080422.3, NM_080423.3); short protein forms I191T, I220T, I243T.
Identifiers: ClinVar variation 5017371 (VCV005017371.1).